The following is an entry in ClinVar:

ClinVar aggregate classification (germline): Likely benign (1 of 4 stars; one submission).

Conditions:
HTT-related disorder. Also called: HTT-related condition.

Submission:

PreventionGenetics, part of Exact Sciences
Classification: Likely benign for HTT-related condition. Last evaluated: 2025-02-08. Review status: criteria provided, single submitter. Criteria: ACMG Guidelines, 2015. Collection method: clinical testing. Allele origin: germline.
Comment: This variant is classified as likely benign based on ACMG/AMP sequence variant interpretation guidelines (Richards et al. 2015 PMID: 25741868, with internal and published modifications).

NM_001388492.1(HTT):c.2925C>T (p.Phe975=)

Gene: HTT (huntingtin; plus strand). Cytogenetic location: 4p16.3.
Variant type: single nucleotide variant.
Coding change: c.2925C>T on transcript NM_001388492.1 (MANE Select); coding-DNA position 2925, C replaced by T.
Protein change: p.Phe975=; no amino-acid change (phenylalanine 975 retained).
Molecular consequence: synonymous variant.
Genome position (GRCh38, 1-based): chr4:3,140,636, C>T. VCF-style: chr4-3140636-C-T. GRCh37 (hg19) VCF-style: chr4-3142363-C-T.
Other names: c.2931C>T, p.Phe977= (NM_002111.8).
Identifiers: ClinVar variation 4978231 (VCV004978231.1).